The following is an entry in ClinVar:

ClinVar aggregate classification (germline): Uncertain significance (1 of 4 stars; one submission).

gnomAD v4.1: 2 of 1,614,046 alleles (0.00012%); highest among the groups gnomAD compares: Non-Finnish European, 0.00017%; no homozygotes.

Submission:

Labcorp Genetics (formerly Invitae), Labcorp
Classification: Uncertain significance. Last evaluated: 2025-10-01. Review status: criteria provided, single submitter. Criteria: Invitae Variant Classification Sherloc (09022015). Collection method: clinical testing. Allele origin: germline.
Comment: This sequence change replaces proline, which is neutral and non-polar, with alanine, which is neutral and non-polar, at codon 144 of the COL10A1 protein (p.Pro144Ala). This variant is not present in population databases (gnomAD no frequency). This variant has not been reported in the literature in individuals affected with COL10A1-related conditions. Invitae Evidence Modeling of protein sequence and biophysical properties (such as structural, functional, and spatial information, amino acid conservation, physicochemical variation, residue mobility, and thermodynamic stability) has been performed for this missense variant. However, the output from this modeling did not meet the statistical confidence thresholds required to predict the impact of this variant on COL10A1 protein function. In summary, the available evidence is currently insufficient to determine the role of this variant in disease. Therefore, it has been classified as a Variant of Uncertain Significance.

NM_000493.4(COL10A1):c.430C>G (p.Pro144Ala)

Genes: COL10A1 (collagen type X alpha 1 chain; minus strand), NT5DC1 (5'-nucleotidase domain containing 1; plus strand). Cytogenetic location: 6q22.1.
Variant type: single nucleotide variant.
Coding change: c.430C>G on transcript NM_000493.4 (MANE Select); coding-DNA position 430, C replaced by G.
Protein change: p.Pro144Ala; replaces proline 144 with alanine.
Molecular consequence: missense variant. On other transcripts: intron variant (1).
Genome position (GRCh38, 1-based): chr6:116,121,686, G>C on the plus strand (C>G on the coding strand, the complement: COL10A1 is on the minus strand). VCF-style: chr6-116121686-G-C. GRCh37 (hg19) VCF-style: chr6-116442849-G-C.
Other names: c.430C>G, p.Pro144Ala (NM_001424106.1, NM_001424107.1); c.529+3741G>C (NM_152729.3); short protein forms P144A.
Identifiers: ClinVar variation 4807520 (VCV004807520.1).